The following is an entry in ClinVar:

NM_001042472.3(ABHD12):c.316G>A (p.Val106Ile)

Gene: ABHD12 (abhydrolase domain containing 12, lysophospholipase; minus strand). Cytogenetic location: 20p11.21.
Variant type: single nucleotide variant.
Coding change: c.316G>A on transcript NM_001042472.3 (MANE Select); coding-DNA position 316, G replaced by A.
Protein change: p.Val106Ile; replaces valine 106 with isoleucine.
Molecular consequence: missense variant.
Genome position (GRCh38, 1-based): chr20:25,339,227, C>T on the plus strand (G>A on the coding strand, the complement: ABHD12 is on the minus strand). VCF-style: chr20-25339227-C-T. GRCh37 (hg19) VCF-style: chr20-25319863-C-T.
Other names: c.316G>A, p.Val106Ile (NM_015600.5); short protein forms V106I.
Identifiers: ClinVar variation 1355620 (VCV001355620.6), dbSNP rs377238469, ClinGen allele CA9796202.

ClinVar aggregate classification (germline): Uncertain significance. Review status: criteria provided, multiple submitters, no conflicts (2 of 4 stars). 2 submissions from 2 submitters: Uncertain significance (2). Last evaluated 2022-11-23.

Allele frequency attached by ClinVar (database versions not stated): gnomAD exomes below 0.00001; ExAC 0.00001; gnomAD 0.00001; TOPMed 0.00002; ESP Exome Variant Server 0.00008.
gnomAD v4.1: 6 of 1,613,866 alleles (0.00037%); highest among the groups gnomAD compares: East Asian, 0.0022%; no homozygotes.

Submissions (2):

Blueprint Genetics
Classification: Uncertain significance. Last evaluated: 2022-11-23. Review status: criteria provided, single submitter. Criteria: ACMG Guidelines, 2015. Collection method: clinical testing. Allele origin: germline.

Labcorp Genetics (formerly Invitae), Labcorp
Classification: Uncertain significance. Last evaluated: 2021-09-01. Review status: criteria provided, single submitter. Criteria: Invitae Variant Classification Sherloc (09022015). Collection method: clinical testing. Allele origin: germline.
Comment: This sequence change replaces valine with isoleucine at codon 106 of the ABHD12 protein (p.Val106Ile). The valine residue is moderately conserved and there is a small physicochemical difference between valine and isoleucine. This variant also falls at the last nucleotide of exon 2, which is part of the consensus splice site for this exon. This variant is present in population databases (rs377238469, ExAC 0.001%). This variant has not been reported in the literature in individuals affected with ABHD12-related conditions. Algorithms developed to predict the effect of missense changes on protein structure and function (SIFT, PolyPhen-2, Align-GVGD) all suggest that this variant is likely to be tolerated. Variants that disrupt the consensus splice site are a relatively common cause of aberrant splicing (PMID: 17576681, 9536098). Algorithms developed to predict the effect of sequence changes on RNA splicing suggest that this variant may disrupt the consensus splice site. In summary, the available evidence is currently insufficient to determine the role of this variant in disease. Therefore, it has been classified as a Variant of Uncertain Significance.

Literature cited by the submitters: PubMed 17576681 (cited by Labcorp Genetics (formerly Invitae), Labcorp); PubMed 9536098 (cited by Labcorp Genetics (formerly Invitae), Labcorp).